The following is an entry in ClinVar:

NM_003835.4(RGS9):c.499A>G (p.Arg167Gly)

Gene: RGS9 (regulator of G protein signaling 9; plus strand). Cytogenetic location: 17q24.1.
Variant type: single nucleotide variant.
Coding change: c.499A>G on transcript NM_003835.4 (MANE Select); coding-DNA position 499, A replaced by G.
Protein change: p.Arg167Gly; replaces arginine 167 with glycine.
Molecular consequence: missense variant.
Genome position (GRCh38, 1-based): chr17:65,163,088, A>G. VCF-style: chr17-65163088-A-G. GRCh37 (hg19) VCF-style: chr17-63159206-A-G.
Other names: c.499A>G (NM_003835.3); c.499A>G, p.Arg167Gly (NM_001081955.3, NM_001165933.2); short protein forms R167G.
Identifiers: ClinVar variation 1052320 (VCV001052320.9), dbSNP rs760030262, ClinGen allele CA8717685.
Genomic context (GRCh38, chr17:65,163,088, plus strand): 5'-TTGAACCAAAAAATGAACTATAAGTGGGACTTTGTCATTATGCAGGCCAAAGAGCAGTAC[A>G]GGTGAGTGAAAGGAGACCATGCTTGTCCTCTCGGTGTCTTTCCTCCCTCTCTTCCTTCTT-3'
Protein context (NP_003826.2, residues 157-177): FVIMQAKEQY[Arg167Gly]AGKERNKADR

ClinVar aggregate classification (germline): Uncertain significance. Review status: criteria provided, multiple submitters, no conflicts (2 of 4 stars). 2 submissions from 2 submitters: Uncertain significance (2). Last evaluated 2025-10-23.

Conditions:
Inborn genetic diseases. Identifiers: MedGen C0950123, MeSH D030342.

Allele frequency attached by ClinVar (database versions not stated): ExAC 0.00001; gnomAD exomes 0.00002 and 0.00006; gnomAD 0.00005; TOPMed 0.00005.
gnomAD v4.1: 100 of 1,576,226 alleles (0.0063%); highest among the groups gnomAD compares: Non-Finnish European, 0.0078%; no homozygotes.

Submissions (3):

Ambry Genetics
Classification: Uncertain significance for Inborn genetic diseases. Last evaluated: 2025-10-23. Review status: criteria provided, single submitter. Criteria: Ambry Variant Classification Scheme 2023. Collection method: clinical testing. Allele origin: germline.

Labcorp Genetics (formerly Invitae), Labcorp
Classification: Uncertain significance. Last evaluated: 2022-08-02. Review status: criteria provided, single submitter. Criteria: Invitae Variant Classification Sherloc (09022015). Collection method: clinical testing. Allele origin: germline.
Comment: This sequence change replaces arginine, which is basic and polar, with glycine, which is neutral and non-polar, at codon 167 of the RGS9 protein (p.Arg167Gly). This variant is present in population databases (rs760030262, gnomAD 0.004%). This variant has not been reported in the literature in individuals affected with RGS9-related conditions. ClinVar contains an entry for this variant (Variation ID: 1052320). Algorithms developed to predict the effect of missense changes on protein structure and function are either unavailable or do not agree on the potential impact of this missense change (SIFT: "Deleterious"; PolyPhen-2: "Benign"; Align-GVGD: "Class C0"). In summary, the available evidence is currently insufficient to determine the role of this variant in disease. Therefore, it has been classified as a Variant of Uncertain Significance.

Dr. Peter K. Rogan Lab, Western University
No classification provided (evidence only). Condition: Acute myeloid leukemia. Review status: no classification provided. Collection method: in vitro. Allele origin: not applicable. Functional consequence: retained intron. Not counted in ClinVar's aggregate classification.